The following is an entry in ClinVar:

ClinVar aggregate classification (germline): Benign/Likely benign. Review status: criteria provided, multiple submitters, no conflicts (2 of 4 stars). 4 submissions from 4 submitters: Benign (2); Likely benign (1). 1 of the submissions does not count toward it. Last evaluated 2025-09-03.

Conditions:
CELSR2-related disorder. Also called: CELSR2-related condition.

Allele frequency attached by ClinVar (database versions not stated): gnomAD exomes 0.00114; ExAC 0.00140; ESP Exome Variant Server 0.00378; gnomAD 0.00413 and 0.00429; TOPMed 0.00468; 1000 Genomes Project 0.00619; 1000 Genomes Project 30x 0.00750.
gnomAD v4.1: 1,236 of 1,609,106 alleles (0.077%); highest among the groups gnomAD compares: African/African-American, 1.4%; 12 homozygotes.

Submissions (4):

Labcorp Genetics (formerly Invitae), Labcorp
Classification: Benign. Last evaluated: 2025-09-03. Review status: criteria provided, single submitter. Criteria: Invitae Variant Classification Sherloc (09022015). Collection method: clinical testing. Allele origin: germline.

Blueprint Genetics
Classification: Likely benign. Last evaluated: 2024-03-21. Review status: criteria provided, single submitter. Criteria: ACMG Guidelines, 2015. Collection method: clinical testing. Allele origin: germline.

Breakthrough Genomics
Classification: Benign. Review status: criteria provided, single submitter. Criteria: ACMG Guidelines, 2015. Collection method: not provided. Allele origin: germline. Inheritance: Unknown mechanism. Affected: yes.

PreventionGenetics, part of Exact Sciences
Classification: Benign for CELSR2-related condition. Last evaluated: 2019-02-20. Review status: no assertion criteria provided. Collection method: clinical testing. Allele origin: germline. Not counted in ClinVar's aggregate classification.
Comment: This variant is classified as benign based on ACMG/AMP sequence variant interpretation guidelines (Richards et al. 2015 PMID: 25741868, with internal and published modifications).

NM_001408.3(CELSR2):c.6663C>T (p.Pro2221=)

Gene: CELSR2 (cadherin EGF LAG seven-pass G-type receptor 2; plus strand). Cytogenetic location: 1p13.3.
Variant type: single nucleotide variant.
Coding change: c.6663C>T on transcript NM_001408.3 (MANE Select); coding-DNA position 6663, C replaced by T.
Protein change: p.Pro2221=; no amino-acid change (proline 2221 retained).
Molecular consequence: synonymous variant.
Genome position (GRCh38, 1-based): chr1:109,269,141, C>T. VCF-style: chr1-109269141-C-T. GRCh37 (hg19) VCF-style: chr1-109811763-C-T.
Identifiers: ClinVar variation 732911 (VCV000732911.13), dbSNP rs115995897, ClinGen allele CA987961.
Genomic context (GRCh38, chr1:109,269,141, plus strand): 5'-CAGCTAAGTGTGACAGTGTCCCCTCCCAGAGACGCCCCCCGTGGTCAGGCCCGCAGGCCC[C>T]GGAGAGGCCCAGGAGCCAGAGGAGCTGGCACGGCGACAGCGACGGCACCCGGAGCTGAGC-3'
Protein context (NP_001399.1, residues 2211-2231): ETPPVVRPAG[Pro2221=]GEAQEPEELA